The following is an entry in ClinVar:

ClinVar aggregate classification (germline): Uncertain significance (1 of 4 stars; one submission).

Submission:

Labcorp Genetics (formerly Invitae), Labcorp
Classification: Uncertain significance. Last evaluated: 2022-08-19. Review status: criteria provided, single submitter. Criteria: Invitae Variant Classification Sherloc (09022015). Collection method: clinical testing. Allele origin: germline.
Comment: Algorithms developed to predict the effect of missense changes on protein structure and function are either unavailable or do not agree on the potential impact of this missense change (SIFT: "Tolerated"; PolyPhen-2: "Possibly Damaging"; Align-GVGD: "Class C0"). In summary, the available evidence is currently insufficient to determine the role of this variant in disease. Therefore, it has been classified as a Variant of Uncertain Significance. This variant has not been reported in the literature in individuals affected with USH2A-related conditions. This variant is not present in population databases (gnomAD no frequency). This sequence change replaces aspartic acid, which is acidic and polar, with glutamic acid, which is acidic and polar, at codon 1540 of the USH2A protein (p.Asp1540Glu).

NM_206933.4(USH2A):c.4620C>G (p.Asp1540Glu)

Gene: USH2A (usherin; minus strand). Cytogenetic location: 1q41.
Variant type: single nucleotide variant.
Coding change: c.4620C>G on transcript NM_206933.4 (MANE Select); coding-DNA position 4620, C replaced by G.
Protein change: p.Asp1540Glu; replaces aspartic acid 1540 with glutamic acid.
Molecular consequence: missense variant.
Genome position (GRCh38, 1-based): chr1:216,175,259, G>C on the plus strand (C>G on the coding strand, the complement: USH2A is on the minus strand). VCF-style: chr1-216175259-G-C. GRCh37 (hg19) VCF-style: chr1-216348601-G-C.
Other names: c.4620C>G, p.Asp1540Glu (NM_007123.6); short protein forms D1540E.
Identifiers: ClinVar variation 1716796 (VCV001716796.5), dbSNP rs764722698, ClinGen allele CA344863510.